The following is an entry in ClinVar:

ClinVar aggregate classification (germline): Conflicting classifications of pathogenicity. Review status: criteria provided, conflicting classifications (1 of 4 stars). 2 submissions from 2 submitters: Pathogenic (1); Uncertain significance (1). Last evaluated 2024-10-23.

Conditions:
Retinal dystrophy. Also called: Inherited retinal dystrophy. Identifiers: Orphanet 71862, MedGen C0854723, MeSH D058499, MONDO:0019118, HP:0000556.

Submissions (2):

Labcorp Genetics (formerly Invitae), Labcorp
Classification: Pathogenic. Last evaluated: 2024-10-23. Review status: criteria provided, single submitter. Criteria: Invitae Variant Classification Sherloc (09022015). Collection method: clinical testing. Allele origin: germline.
Comment: This sequence change creates a premature translational stop signal (p.Tyr2334*) in the PRPF8 gene. While this is not anticipated to result in nonsense mediated decay, it is expected to disrupt the last 2 amino acid(s) of the PRPF8 protein. This variant is not present in population databases (gnomAD no frequency). This premature translational stop signal has been observed in individuals with retinitis pigmentosa (PMID: 27391102; internal data). It has also been observed to segregate with disease in related individuals. ClinVar contains an entry for this variant (Variation ID: 1495611). Experimental studies and prediction algorithms are not available or were not evaluated, and the functional significance of this variant is currently unknown. This variant disrupts a region of the PRPF8 protein in which other variant(s) (p.Tyr2334Asn) have been determined to be pathogenic (PMID: 20232351, 21378395, 28515276; internal data). This suggests that this is a clinically significant region of the protein, and that variants that disrupt it are likely to be disease-causing. For these reasons, this variant has been classified as Pathogenic.

Dept Of Ophthalmology, Nagoya University
Classification: Uncertain significance for Retinal dystrophy. Last evaluated: 2023-10-01. Review status: criteria provided, single submitter. Criteria: Submitter's publication. Collection method: research. Allele origin: germline. Affected: yes.

Literature cited by the submitters: PubMed 27391102 (cited by Labcorp Genetics (formerly Invitae), Labcorp); PubMed 20232351 (cited by Labcorp Genetics (formerly Invitae), Labcorp); PubMed 21378395 (cited by Labcorp Genetics (formerly Invitae), Labcorp); PubMed 28515276 (cited by Labcorp Genetics (formerly Invitae), Labcorp).

NM_006445.4(PRPF8):c.7002T>G (p.Tyr2334Ter)

Gene: PRPF8 (pre-mRNA processing factor 8; minus strand). Cytogenetic location: 17p13.3.
Variant type: single nucleotide variant.
Coding change: c.7002T>G on transcript NM_006445.4 (MANE Select); coding-DNA position 7002, T replaced by G.
Protein change: p.Tyr2334Ter; replaces tyrosine 2334 with a stop codon.
Molecular consequence: nonsense.
Genome position (GRCh38, 1-based): chr17:1,650,808, A>C on the plus strand (T>G on the coding strand, the complement: PRPF8 is on the minus strand). VCF-style: chr17-1650808-A-C. GRCh37 (hg19) VCF-style: chr17-1554102-A-C.
Other names: short protein forms Y2334*.
Identifiers: ClinVar variation 1495611 (VCV001495611.9), dbSNP rs757906173, ClinGen allele CA397561679.